The following is an entry in ClinVar:

NM_020971.3(SPTBN4):c.7206_7226del (p.Gln2404_Ala2410del)

Genes: SPTBN4 (spectrin beta, non-erythrocytic 4; plus strand), LOC130064467 (ATAC-STARR-seq lymphoblastoid silent region 10632; plus strand). Cytogenetic location: 19q13.2.
Variant type: Deletion.
Coding change: c.7206_7226del on transcript NM_020971.3 (MANE Select); coding-DNA positions 7206 to 7226, 21 bases deleted (GGCCCAGGGCGGCTCCGCCCC).
Protein change: p.Gln2404_Ala2410del.
Molecular consequence: inframe deletion.
Genome position (GRCh38, 1-based): chr19:40,570,615-40,570,635, GGCCCAGGGCGGCTCCGCCCC deleted; deleting any 21 consecutive bases within chr19:40,570,605-40,570,635 gives the same sequence; the c. name uses the placement nearest the transcript's 3' end. VCF-style (leftmost placement, unchanged base first): chr19-40570604-CGCTCCGCCCCGGCCCAGGGCG-C. GRCh37 (hg19) VCF-style: chr19-41076510-CGCTCCGCCCCGGCCCAGGGCG-C.
Identifiers: ClinVar variation 5017417 (VCV005017417.1).
Genomic context (GRCh38, chr19:40,570,604, plus strand): 5'-AAGCCGCGACGGCGGCCGCGGCCCAGAGAGGGTGGTGAGGGCGGGGGAAGCCGGCGCTCG[CGCTCCGCCCCGGCCCAGGGCG>C]GCTCCGCCCCCGCGCCTCCGCCACCGCCCACTCACACAGTGCAGCACGAGGGCTTCCTAC-3'

ClinVar aggregate classification (germline): Uncertain significance (1 of 4 stars; one submission).

Submission:

GeneDx
Classification: Uncertain significance. Last evaluated: 2026-03-24. Review status: criteria provided, single submitter. Criteria: GeneDx Variant Classification Process June 2021. Collection method: clinical testing. Allele origin: germline.
Comment: Not observed at significant frequency in large population cohorts (gnomAD); In-frame deletion of 7 amino acid(s) in a non-repeat region; In silico analysis suggests that this variant does not alter protein structure/function; Has not been previously published as pathogenic or benign to our knowledge